The following is an entry in ClinVar:

ClinVar aggregate classification (germline): Uncertain significance. Review status: criteria provided, multiple submitters, no conflicts (2 of 4 stars). 4 submissions from 4 submitters: Uncertain significance (4). Last evaluated 2024-10-16.

Conditions:
Joubert syndrome 23 (JBTS23). Identifiers: Orphanet 475, MedGen C4084822, MONDO:0014664, OMIM 616490.
Short-rib thoracic dysplasia 14 with polydactyly (SRTD14). Identifiers: Orphanet 397715, MedGen C4225286, MONDO:0014688, OMIM 616546.

Allele frequency attached by ClinVar (database versions not stated): gnomAD 0.00007 and 0.00008; gnomAD exomes 0.00007 and 0.00011; TOPMed 0.00007; ExAC 0.00012; ESP Exome Variant Server 0.00033.
gnomAD v4.1: 118 of 1,608,904 alleles (0.0073%); highest among the groups gnomAD compares: Middle Eastern, 0.049%; no homozygotes.

Submissions (4):

Labcorp Genetics (formerly Invitae), Labcorp
Classification: Uncertain significance for Joubert syndrome 23; Short-rib thoracic dysplasia 14 with polydactyly. Last evaluated: 2024-10-16. Review status: criteria provided, single submitter. Criteria: Invitae Variant Classification Sherloc (09022015). Collection method: clinical testing. Allele origin: germline.
Comment: This sequence change replaces threonine, which is neutral and polar, with isoleucine, which is neutral and non-polar, at codon 1069 of the KIAA0586 protein (p.Thr1069Ile). This variant is present in population databases (rs372259984, gnomAD 0.08%). This variant has not been reported in the literature in individuals affected with KIAA0586-related conditions. ClinVar contains an entry for this variant (Variation ID: 1508519). Invitae Evidence Modeling of protein sequence and biophysical properties (such as structural, functional, and spatial information, amino acid conservation, physicochemical variation, residue mobility, and thermodynamic stability) indicates that this missense variant is not expected to disrupt KIAA0586 protein function with a negative predictive value of 80%. In summary, the available evidence is currently insufficient to determine the role of this variant in disease. Therefore, it has been classified as a Variant of Uncertain Significance.

CeGaT Center for Human Genetics Tuebingen
Classification: Uncertain significance. Last evaluated: 2024-02-01. Review status: criteria provided, single submitter. Criteria: CeGaT Center For Human Genetics Tuebingen Variant Classification Criteria Version 2. Collection method: clinical testing. Allele origin: germline. Affected: yes. Observed: 1 variant allele.
Comment: KIAA0586: PM2

Blueprint Genetics
Classification: Uncertain significance. Last evaluated: 2023-11-07. Review status: criteria provided, single submitter. Criteria: ACMG Guidelines, 2015. Collection method: clinical testing. Allele origin: germline.

Breakthrough Genomics
Classification: Uncertain significance. Review status: criteria provided, single submitter. Criteria: ACMG Guidelines, 2015. Collection method: not provided. Allele origin: germline. Inheritance: Autosomal recessive inheritance. Affected: yes.

NM_001329943.3(KIAA0586):c.3047C>T (p.Thr1016Ile)

Gene: KIAA0586 (KIAA0586; plus strand). Cytogenetic location: 14q23.1.
Variant type: single nucleotide variant.
Coding change: c.3047C>T on transcript NM_001329943.3 (MANE Select); coding-DNA position 3047, C replaced by T.
Protein change: p.Thr1016Ile; replaces threonine 1016 with isoleucine.
Molecular consequence: missense variant.
Genome position (GRCh38, 1-based): chr14:58,482,615, C>T. VCF-style: chr14-58482615-C-T. GRCh37 (hg19) VCF-style: chr14-58949333-C-T.
Other names: c.3206C>T, p.Thr1069Ile (NM_001244189.2); c.3002C>T, p.Thr1001Ile (NM_001244190.2); c.2792C>T, p.Thr931Ile (NM_001244191.2, NM_001329945.2, NM_001364700.1 and 1 more transcripts); c.2915C>T, p.Thr972Ile (NM_001244192.2); c.2627C>T, p.Thr876Ile (NM_001244193.2); c.3047C>T, p.Thr1016Ile (NM_001329944.2, NM_001329946.2, NM_001329947.2); c.2819C>T, p.Thr940Ile (NM_014749.5); short protein forms T1001I, T940I, T1016I, T1069I, T876I, T931I, T972I.
Identifiers: ClinVar variation 1508519 (VCV001508519.28), dbSNP rs372259984, ClinGen allele CA7206045.
Genomic context (GRCh38, chr14:58,482,615, plus strand): 5'-CTGGTGTTCCTGTGAACTCAAATGTGATTAAACATTTTGTTAACGAAGCTCTTGCTGAGA[C>T]CATTGCTGTCATGCTGGGTGACAGAGAAGCAAAGAAGCAAGGTCCTGTTGCTACAGGTGT-3'
Protein context (NP_001316872.1, residues 1006-1026): KHFVNEALAE[Thr1016Ile]IAVMLGDREA